The following is an entry in ClinVar:

ClinVar aggregate classification (germline): Uncertain significance. Review status: criteria provided, multiple submitters, no conflicts (2 of 4 stars). 2 submissions from 2 submitters: Uncertain significance (2). Last evaluated 2024-12-17.

Conditions:
Cardiovascular phenotype. Identifiers: MedGen CN230736.
Hereditary cancer-predisposing syndrome. Also called: Hereditary neoplastic syndrome; Neoplastic Syndromes, Hereditary; Tumor predisposition; Hereditary Cancer Syndrome. Identifiers: Orphanet 140162, MedGen C0027672, MeSH D009386, MONDO:0015356.
Neurofibromatosis, type 1 (NF1). Also called: VON RECKLINGHAUSEN DISEASE; Peripheral type neurofibromatosis; NEUROFIBROMATOSIS, TYPE I, SOMATIC; Neurofibromatosis, type I. Identifiers: Orphanet 636, MedGen C0027831, MONDO:0018975, OMIM 162200. Disease mechanism: loss of function.

Submissions (2):

Ambry Genetics
Classification: Uncertain significance for Cardiovascular phenotype; Hereditary cancer-predisposing syndrome. Last evaluated: 2024-12-17. Review status: criteria provided, single submitter. Criteria: Ambry Variant Classification Scheme 2023. Collection method: clinical testing. Allele origin: germline.
Comment: The p.H1366R variant (also known as c.4097A>G), located in coding exon 30 of the NF1 gene, results from an A to G substitution at nucleotide position 4097. The histidine at codon 1366 is replaced by arginine, an amino acid with highly similar properties. This amino acid position is highly conserved in available vertebrate species. In addition, this alteration is predicted to be deleterious by in silico analysis. Based on the available evidence, the clinical significance of this variant remains unclear.

Labcorp Genetics (formerly Invitae), Labcorp
Classification: Uncertain significance for Neurofibromatosis, type 1. Last evaluated: 2023-06-11. Review status: criteria provided, single submitter. Criteria: Invitae Variant Classification Sherloc (09022015). Collection method: clinical testing. Allele origin: germline.
Comment: In summary, the available evidence is currently insufficient to determine the role of this variant in disease. Therefore, it has been classified as a Variant of Uncertain Significance. Advanced modeling of protein sequence and biophysical properties (such as structural, functional, and spatial information, amino acid conservation, physicochemical variation, residue mobility, and thermodynamic stability) performed at Invitae indicates that this missense variant is expected to disrupt NF1 protein function. ClinVar contains an entry for this variant (Variation ID: 480167). This variant has not been reported in the literature in individuals affected with NF1-related conditions. This variant is not present in population databases (gnomAD no frequency). This sequence change replaces histidine, which is basic and polar, with arginine, which is basic and polar, at codon 1366 of the NF1 protein (p.His1366Arg).

NM_001042492.3(NF1):c.4097A>G (p.His1366Arg)

Gene: NF1 (neurofibromin 1; plus strand). Cytogenetic location: 17q11.2.
Variant type: single nucleotide variant.
Coding change: c.4097A>G on transcript NM_001042492.3 (MANE Select); coding-DNA position 4097, A replaced by G.
Protein change: p.His1366Arg; replaces histidine 1366 with arginine.
Molecular consequence: missense variant.
Genome position (GRCh38, 1-based): chr17:31,249,106, A>G. VCF-style: chr17-31249106-A-G. GRCh37 (hg19) VCF-style: chr17-29576124-A-G.
Other names: c.4097A>G, p.His1366Arg (NM_000267.4); short protein forms H1366R.
Identifiers: ClinVar variation 480167 (VCV000480167.9), dbSNP rs769042915, ClinGen allele CA398995078.